The following is an entry in ClinVar:

ClinVar aggregate classification (germline): Pathogenic (1 of 4 stars; one submission).

Conditions:
Monocytopenia with susceptibility to infections. Also called: MONOCYTOPENIA AND MYCOBACTERIAL INFECTION SYNDROME; MONOCYTOPENIA WITH SUSCEPTIBILITY TO MYCOBACTERIAL, FUNGAL, AND PAPILLOMAVIRUS INFECTIONS AND MYELODYSPLASIA; COMBINED IMMUNODEFICIENCY WITH SUSCEPTIBILITY TO MYCOBACTERIAL, VIRAL, AND FUNGAL INFECTIONS; Dendritic cell, monocyte, B lymphocyte, and natural killer lymphocyte deficiency; IMMUNODEFICIENCY 21; GATA2 DEFICIENCY. Identifiers: Orphanet 228423, MedGen C3280030, MONDO:0013607, OMIM 614172.
Deafness-lymphedema-leukemia syndrome. Also called: Emberger syndrome; Lymphedema, primary, with myelodysplasia. Identifiers: Orphanet 3226, MedGen C3279664, MONDO:0013540, OMIM 614038.

Submission:

Labcorp Genetics (formerly Invitae), Labcorp
Classification: Pathogenic for Monocytopenia with susceptibility to infections; Deafness-lymphedema-leukemia syndrome. Last evaluated: 2024-02-24. Review status: criteria provided, single submitter. Criteria: Invitae Variant Classification Sherloc (09022015). Collection method: clinical testing. Allele origin: germline.
Comment: This sequence change creates a premature translational stop signal (p.Lys281*) in the GATA2 gene. It is expected to result in an absent or disrupted protein product. Loss-of-function variants in GATA2 are known to be pathogenic (PMID: 21670465, 23223431). This variant is not present in population databases (gnomAD no frequency). This variant has not been reported in the literature in individuals affected with GATA2-related conditions. ClinVar contains an entry for this variant (Variation ID: 1075473). For these reasons, this variant has been classified as Pathogenic.

Literature cited by the submitters: PubMed 21670465; PubMed 23223431.

NM_032638.5(GATA2):c.839dup (p.Pro280_Lys281insTer)

Gene: GATA2 (GATA binding protein 2; minus strand). Cytogenetic location: 3q21.3.
Variant type: Duplication.
Coding change: c.839dup on transcript NM_032638.5 (MANE Select); coding-DNA position 839, one base duplicated (C; older notation c.839dupC).
Protein change: p.Pro280_Lys281insTer.
Molecular consequence: frameshift variant.
Genome position (GRCh38, 1-based): chr3:128,485,759, G duplicated on the plus strand (C on the coding strand, the reverse complement: GATA2 is on the minus strand); the first of 4 consecutive G bases (chr3:128,485,759-128,485,762); duplicating any one gives the same sequence. VCF-style (leftmost placement, unchanged base first): chr3-128485758-A-AG. GRCh37 (hg19) VCF-style: chr3-128204601-A-AG.
Other names: c.839dup, p.Pro280_Lys281insTer (NM_001145661.2, NM_001145662.1).
Identifiers: ClinVar variation 1075473 (VCV001075473.7), dbSNP rs1576748366, ClinGen allele CA1400718933.